The following is an entry in ClinVar:

NM_003263.4(TLR1):c.1327T>A (p.Leu443Ile)

Gene: TLR1 (toll like receptor 1; minus strand). Cytogenetic location: 4p14.
Variant type: single nucleotide variant.
Coding change: c.1327T>A on transcript NM_003263.4 (MANE Select); coding-DNA position 1327, T replaced by A.
Protein change: p.Leu443Ile; replaces leucine 443 with isoleucine.
Molecular consequence: missense variant.
Genome position (GRCh38, 1-based): chr4:38,797,505, A>T on the plus strand (T>A on the coding strand, the complement: TLR1 is on the minus strand). VCF-style: chr4-38797505-A-T. GRCh37 (hg19) VCF-style: chr4-38799126-A-T.
Other names: short protein forms L443I.
Identifiers: ClinVar variation 3047352 (VCV003047352.2), dbSNP rs199899599, ClinGen allele CA2889378.

ClinVar aggregate classification (germline): Likely benign (0 of 4 stars; one submission).

Conditions:
TLR1-related disorder. Also called: TLR1-related condition.

Allele frequency attached by ClinVar (database versions not stated): ESP Exome Variant Server 0.00008; gnomAD 0.00020; gnomAD exomes 0.00020; TOPMed 0.00020; ExAC 0.00021.
gnomAD v4.1: 347 of 1,614,172 alleles (0.021%); highest among the groups gnomAD compares: Middle Eastern, 0.15%; 2 homozygotes.

Submission:

PreventionGenetics, part of Exact Sciences
Classification: Likely benign for TLR1-related condition. Last evaluated: 2021-03-31. Review status: no assertion criteria provided. Collection method: clinical testing. Allele origin: germline.
Comment: This variant is classified as likely benign based on ACMG/AMP sequence variant interpretation guidelines (Richards et al. 2015 PMID: 25741868, with internal and published modifications).